The following is an entry in ClinVar:

NM_001953.5(TYMP):c.1284T>A (p.Gly428=)

Genes: SCO2 (synthesis of cytochrome C oxidase 2; minus strand), TYMP (thymidine phosphorylase; minus strand), LOC130067862 (ATAC-STARR-seq lymphoblastoid silent region 13986; plus strand). Cytogenetic location: 22q13.33.
Variant type: single nucleotide variant.
Coding change: c.1284T>A on transcript NM_001953.5 (MANE Select); coding-DNA position 1284, T replaced by A.
Protein change: p.Gly428=; no amino-acid change (glycine 428 retained).
Molecular consequence: synonymous variant. On other transcripts: 5 prime UTR variant (1), intron variant (1).
Genome position (GRCh38, 1-based): chr22:50,526,017, A>T on the plus strand (T>A on the coding strand, the complement: TYMP is on the minus strand). VCF-style: chr22-50526017-A-T. GRCh37 (hg19) VCF-style: chr22-50964446-A-T.
Other names: p.G428G:GGT>GGA; Synonymous; c.1284T>A, p.Gly428= (NM_001113755.3, NM_001113756.3, NM_001257988.1); c.1299T>A, p.Gly433= (NM_001257989.1); c.-30T>A (NM_001169110.1); c.-14+229T>A (NM_001169109.2).
Identifiers: ClinVar variation 137876 (VCV000137876.24), dbSNP rs1138404, ClinGen allele CA291583.

ClinVar aggregate classification (germline): Benign. Review status: criteria provided, multiple submitters, no conflicts (2 of 4 stars). 10 submissions from 9 submitters: Benign (7). 3 of the submissions do not count toward it. Last evaluated 2026-02-04.

Conditions:
Mitochondrial neurogastrointestinal encephalomyopathy. Also called: Mitochondrial neurogastrointestinal encephalopathy syndrome; MNGIE syndrome; Thymidine phosphorylase deficiency. Identifiers: Orphanet 298, MedGen C0872218, MONDO:0017575.
Mitochondrial DNA depletion syndrome 1. Also called: Mitochondrial neurogastrointestinal encephalomyopathy syndrome; POLIP SYNDROME; POLYNEUROPATHY, OPHTHALMOPLEGIA, LEUKOENCEPHALOPATHY, AND INTESTINAL PSEUDOOBSTRUCTION; Mitochondrial Neurogastrointestinal Encephalopathy Disease; MITOCHONDRIAL NEUROGASTROINTESTINAL ENCEPHALOPATHY SYNDROME, TYMP-RELATED; MNGIE, TYMP-RELATED. Identifiers: Orphanet 298, MedGen C4551995, MONDO:0011283, OMIM 603041.
Cardioencephalomyopathy, fatal infantile, due to cytochrome c oxidase deficiency 1 (MC4DN2). Also called: CYTOCHROME c OXIDASE DEFICIENCY, FATAL INFANTILE, WITH CARDIOENCEPHALOMYOPATHY; MITOCHONDRIAL COMPLEX IV DEFICIENCY, NUCLEAR TYPE 2. Identifiers: Orphanet 1561, MedGen C5399977, MONDO:0011451, OMIM 604377.
Mitochondrial complex IV deficiency, nuclear type 1 (MC4DN1). Also called: Mitochondrial complex IV deficiency; Complex 4 mitochondrial respiratory chain deficiency; Deficiency of mitochondrial respiratory chain complex4; Complex IV deficiency; COX DEFICIENCY. Identifiers: MedGen C5435656, MONDO:0700250, OMIM 220110. Disease mechanism: loss of function.

Allele frequency attached by ClinVar (database versions not stated): gnomAD 0.14158 and 0.14075; 1000 Genomes Project 0.16314; 1000 Genomes Project 30x 0.16943; TOPMed 0.15079; ExAC 0.17702.
gnomAD v4.1: 163,869 of 1,470,092 alleles (11%); highest among the groups gnomAD compares: African/African-American, 23%; 10,217 homozygotes.

Submissions (10):

Labcorp Genetics (formerly Invitae), Labcorp
Classification: Benign. Last evaluated: 2026-02-04. Review status: criteria provided, single submitter. Criteria: Invitae Variant Classification Sherloc (09022015). Collection method: clinical testing. Allele origin: germline.

Athena Diagnostics
Classification: Benign. Last evaluated: 2018-04-23. Review status: criteria provided, single submitter. Criteria: Athena Diagnostics Criteria. Collection method: clinical testing. Allele origin: germline.

Illumina Laboratory Services, Illumina
Classification: Benign for Mitochondrial complex IV deficiency, nuclear type 1. Last evaluated: 2018-01-13. Review status: criteria provided, single submitter. Criteria: ICSL Variant Classification Criteria 13 December 2019. Collection method: clinical testing. Allele origin: germline.
Comment: This variant was observed in the ICSL laboratory as part of a predisposition screen in an ostensibly healthy population. It had not been previously curated by ICSL or reported in the Human Gene Mutation Database (HGMD: prior to June 1st, 2018), and was therefore a candidate for classification through an automated scoring system. Utilizing variant allele frequency, disease prevalence and penetrance estimates, and inheritance mode, an automated score was calculated to assess if this variant is too frequent to cause the disease. Based on the score and internal cut-off values, a variant classified as benign is not then subjected to further curation. The score for this variant resulted in a classification of benign for this disease.

Illumina Laboratory Services, Illumina
Classification: Benign for Cardioencephalomyopathy, fatal infantile, due to cytochrome c oxidase deficiency 1. Last evaluated: 2018-01-13. Review status: criteria provided, single submitter. Criteria: ICSL Variant Classification Criteria 13 December 2019. Collection method: clinical testing. Allele origin: germline.
Comment: the same text as in the submission from Illumina Laboratory Services, Illumina above.

GeneDx
Classification: Benign. Last evaluated: 2015-03-03. Review status: criteria provided, single submitter. Criteria: GeneDx Variant Classification Process June 2021. Collection method: clinical testing. Allele origin: germline. Affected: yes.

Breakthrough Genomics
Classification: Benign. Review status: criteria provided, single submitter. Criteria: ACMG Guidelines, 2015. Collection method: not provided. Allele origin: germline. Inheritance: Autosomal recessive inheritance. Affected: yes.

PreventionGenetics, part of Exact Sciences
Classification: Benign. Review status: criteria provided, single submitter. Criteria: ACMG Guidelines, 2015. Collection method: clinical testing. Allele origin: germline.

Natera, Inc.
Classification: Benign for Mitochondrial neurogastrointestinal encephalomyopathy. Last evaluated: 2020-09-16. Review status: no assertion criteria provided. Collection method: clinical testing. Allele origin: germline. Not counted in ClinVar's aggregate classification.

Mayo Clinic Laboratories, Mayo Clinic
Classification: Benign. Last evaluated: 2016-02-23. Review status: no assertion criteria provided. Collection method: clinical testing. Allele origin: unknown. Not counted in ClinVar's aggregate classification.

GeneReviews
Classification: Benign for Mitochondrial DNA depletion syndrome 1. Last evaluated: 2016-01-14. Review status: no assertion criteria provided. Collection method: literature only. Allele origin: germline. Affected: yes. Not counted in ClinVar's aggregate classification.

Literature cited by the submitters: PubMed 12529715 (cited by GeneReviews).